The following is an entry in ClinVar:

ClinVar aggregate classification (germline): Uncertain significance. Review status: criteria provided, multiple submitters, no conflicts (2 of 4 stars). 2 submissions from 2 submitters: Uncertain significance (2). Last evaluated 2026-02-24.

Submissions (2):

Ambry Genetics
Classification: Uncertain significance. Last evaluated: 2026-02-24. Review status: criteria provided, single submitter. Criteria: Ambry Variant Classification Scheme 2023. Collection method: clinical testing. Allele origin: germline.

Labcorp Genetics (formerly Invitae), Labcorp
Classification: Uncertain significance. Last evaluated: 2024-01-24. Review status: criteria provided, single submitter. Criteria: Invitae Variant Classification Sherloc (09022015). Collection method: clinical testing. Allele origin: germline.
Comment: This sequence change replaces valine, which is neutral and non-polar, with phenylalanine, which is neutral and non-polar, at codon 64 of the RINT1 protein (p.Val64Phe). This variant is not present in population databases (gnomAD no frequency). This variant has not been reported in the literature in individuals affected with RINT1-related conditions. ClinVar contains an entry for this variant (Variation ID: 1782487). An algorithm developed to predict the effect of missense changes on protein structure and function (PolyPhen-2) suggests that this variant is likely to be tolerated. In summary, the available evidence is currently insufficient to determine the role of this variant in disease. Therefore, it has been classified as a Variant of Uncertain Significance.

NM_021930.6(RINT1):c.190G>T (p.Val64Phe)

Gene: RINT1 (RAD50 interactor 1; plus strand). Cytogenetic location: 7q22.3.
Variant type: single nucleotide variant.
Coding change: c.190G>T on transcript NM_021930.6 (MANE Select); coding-DNA position 190, G replaced by T.
Protein change: p.Val64Phe; replaces valine 64 with phenylalanine.
Molecular consequence: missense variant. On other transcripts: 5 prime UTR variant (3), non-coding transcript variant (1), intron variant (1).
Genome position (GRCh38, 1-based): chr7:105,536,666, G>T. VCF-style: chr7-105536666-G-T. GRCh37 (hg19) VCF-style: chr7-105177113-G-T.
Other names: c.-830G>T (NM_001346600.2); c.-733G>T (NM_001346601.2); c.-353G>T (NM_001346603.2); c.39+54G>T (NM_001346599.2); short protein forms V64F.
Identifiers: ClinVar variation 1782487 (VCV001782487.7), dbSNP rs2485099977, ClinGen allele CA368800365.